The following is an entry in ClinVar:

ClinVar aggregate classification (germline): Uncertain significance. Review status: criteria provided, multiple submitters, no conflicts (2 of 4 stars). 3 submissions from 3 submitters: Uncertain significance (3). Last evaluated 2024-01-25.

Conditions:
Hyper-IgE recurrent infection syndrome 3, autosomal recessive. Also called: Autosomal recessive hyper-IgE syndrome due to ZNF341 deficiency; HYPER-IgE SYNDROME 3, AUTOSOMAL RECESSIVE, WITH RECURRENT INFECTIONS. Identifiers: Orphanet 641368, MedGen C4748969, MONDO:0032654, OMIM 618282.
Combined immunodeficiency due to DOCK8 deficiency (HIES2). Also called: HIES autosomal recessive; DOCK8 Deficiency; Hyper-IgE recurrent infection syndrome, autosomal recessive; HYPER-IgE RECURRENT INFECTION SYNDROME 2, AUTOSOMAL RECESSIVE; HYPER-IgE SYNDROME 2, AUTOSOMAL RECESSIVE, WITH RECURRENT INFECTIONS. Identifiers: Orphanet 217390, MedGen C4722305, MONDO:0009478, OMIM 243700.

Allele frequency attached by ClinVar (database versions not stated): TOPMed 0.00011; 1000 Genomes Project 30x 0.00016; 1000 Genomes Project 0.00020; ESP Exome Variant Server 0.00023.
gnomAD v4.1: 253 of 1,614,194 alleles (0.016%); highest among the groups gnomAD compares: Non-Finnish European, 0.02%; no homozygotes.

Submissions (3):

Labcorp Genetics (formerly Invitae), Labcorp
Classification: Uncertain significance for Combined immunodeficiency due to DOCK8 deficiency. Last evaluated: 2024-01-25. Review status: criteria provided, single submitter. Criteria: Invitae Variant Classification Sherloc (09022015). Collection method: clinical testing. Allele origin: germline.
Comment: This sequence change replaces arginine, which is basic and polar, with glutamine, which is neutral and polar, at codon 1904 of the DOCK8 protein (p.Arg1904Gln). This variant is present in population databases (rs140539006, gnomAD 0.02%). This variant has not been reported in the literature in individuals affected with DOCK8-related conditions. ClinVar contains an entry for this variant (Variation ID: 941786). Advanced modeling of protein sequence and biophysical properties (such as structural, functional, and spatial information, amino acid conservation, physicochemical variation, residue mobility, and thermodynamic stability) has been performed at Invitae for this missense variant, however the output from this modeling did not meet the statistical confidence thresholds required to predict the impact of this variant on DOCK8 protein function. In summary, the available evidence is currently insufficient to determine the role of this variant in disease. Therefore, it has been classified as a Variant of Uncertain Significance.

GeneDx
Classification: Uncertain significance. Last evaluated: 2019-03-28. Review status: criteria provided, single submitter. Criteria: GeneDx Variant Classification Process June 2021. Collection method: clinical testing. Allele origin: germline. Affected: yes.
Comment: In silico analysis, which includes protein predictors and evolutionary conservation, supports a deleterious effect; Has not been previously published as pathogenic or benign to our knowledge

Baylor Genetics
Classification: Uncertain significance for Combined immunodeficiency due to DOCK8 deficiency. Last evaluated: 2019-02-22. Review status: criteria provided, single submitter. Criteria: ACMG Guidelines, 2015. Collection method: clinical testing. Allele origin: unknown. Affected: yes.
Comment: This variant was determined to be of uncertain significance according to ACMG Guidelines, 2015 [PMID:25741868].

NM_203447.4(DOCK8):c.5711G>A (p.Arg1904Gln)

Gene: DOCK8 (dedicator of cytokinesis 8; plus strand). Cytogenetic location: 9p24.3.
Variant type: single nucleotide variant.
Coding change: c.5711G>A on transcript NM_203447.4 (MANE Select); coding-DNA position 5711, G replaced by A.
Protein change: p.Arg1904Gln; replaces arginine 1904 with glutamine.
Molecular consequence: missense variant.
Genome position (GRCh38, 1-based): chr9:446,500, G>A. VCF-style: chr9-446500-G-A. GRCh37 (hg19) VCF-style: chr9-446500-G-A.
Other names: c.5411G>A, p.Arg1804Gln (NM_001190458.2); c.5507G>A, p.Arg1836Gln (NM_001193536.2); short protein forms R1804Q, R1836Q, R1904Q.
Identifiers: ClinVar variation 941786 (VCV000941786.10), dbSNP rs140539006, ClinGen allele CA4959519.
Genomic context (GRCh38, chr9:446,500, plus strand): 5'-TTGAGAAGAATTTCAACCTCCGGAGGTTCATGTACACCACCCCGTTCACCCTGGAGGGGC[G>A]GCCTCGGGGAGAGCTGCATGAGCAGTACAGAAGGAACACAGTCCTGACCACTATGCACGC-3'
Protein context (NP_982272.2, residues 1894-1914): MYTTPFTLEG[Arg1904Gln]PRGELHEQYR